The following is an entry in ClinVar:

NM_004320.6(ATP2A1):c.2958C>G (p.Phe986Leu)

Gene: ATP2A1 (ATPase sarcoplasmic/endoplasmic reticulum Ca2+ transporting 1; plus strand). Cytogenetic location: 16p11.2.
Variant type: single nucleotide variant.
Coding change: c.2958C>G on transcript NM_004320.6 (MANE Select); coding-DNA position 2958, C replaced by G.
Protein change: p.Phe986Leu; replaces phenylalanine 986 with leucine.
Molecular consequence: missense variant.
Genome position (GRCh38, 1-based): chr16:28,903,418, C>G. VCF-style: chr16-28903418-C-G. GRCh37 (hg19) VCF-style: chr16-28914739-C-G.
Other names: c.2583C>G, p.Phe861Leu (NM_001286075.2); c.2958C>G, p.Phe986Leu (NM_173201.5); short protein forms F861L, F986L.
Identifiers: ClinVar variation 655383 (VCV000655383.9), dbSNP rs374856682, ClinGen allele CA395416151.

ClinVar aggregate classification (germline): Uncertain significance (1 of 4 stars; one submission).

Conditions:
Brody myopathy. Also called: BRODY DISEASE. Identifiers: Orphanet 53347, MedGen C1832918, MONDO:0010977, OMIM 601003.

gnomAD v4.1: 3 of 1,613,900 alleles (0.00019%); highest among the groups gnomAD compares: Admixed American, 0.0033%; no homozygotes.

Submission:

Labcorp Genetics (formerly Invitae), Labcorp
Classification: Uncertain significance for Brody myopathy. Last evaluated: 2022-09-06. Review status: criteria provided, single submitter. Criteria: Invitae Variant Classification Sherloc (09022015). Collection method: clinical testing. Allele origin: germline.
Comment: ClinVar contains an entry for this variant (Variation ID: 655383). This variant has not been reported in the literature in individuals affected with ATP2A1-related conditions. This variant is present in population databases (no rsID available, gnomAD 0.006%). This sequence change replaces phenylalanine, which is neutral and non-polar, with leucine, which is neutral and non-polar, at codon 986 of the ATP2A1 protein (p.Phe986Leu). Algorithms developed to predict the effect of missense changes on protein structure and function are either unavailable or do not agree on the potential impact of this missense change (SIFT: "Deleterious"; PolyPhen-2: "Probably Damaging"; Align-GVGD: "Class C0"). In summary, the available evidence is currently insufficient to determine the role of this variant in disease. Therefore, it has been classified as a Variant of Uncertain Significance.